The following is an entry in ClinVar:

ClinVar aggregate classification (germline): Uncertain significance. Review status: criteria provided, single submitter (1 of 4 stars). 3 submissions from 3 submitters: Uncertain significance (1). 2 of the submissions do not count toward it. Last evaluated 2022-08-20.

gnomAD v4.1: 30 of 1,613,842 alleles (0.0019%); highest among the groups gnomAD compares: African/African-American, 0.004%; no homozygotes.

Submissions (3):

GeneDx
Classification: Uncertain significance. Last evaluated: 2022-08-20. Review status: criteria provided, single submitter. Criteria: GeneDx Variant Classification Process June 2021. Collection method: clinical testing. Allele origin: germline. Affected: yes.
Comment: Has not been previously published as pathogenic or benign to our knowledge; In silico analysis suggests this variant may impact gene splicing. In the absence of RNA/functional studies, the actual effect of this sequence change is unknown.

Clinical Genetics DNA and cytogenetics Diagnostics Lab, Erasmus MC, Erasmus Medical Center
Classification: Uncertain significance. Review status: no assertion criteria provided. Collection method: clinical testing. Allele origin: germline. Affected: yes. Study: VKGL Data-share Consensus. Not counted in ClinVar's aggregate classification.

Laboratory of Diagnostic Genome Analysis, Leiden University Medical Center (LUMC)
Classification: Uncertain significance. Review status: no assertion criteria provided. Collection method: clinical testing. Allele origin: germline. Affected: yes. Study: VKGL Data-share Consensus. Not counted in ClinVar's aggregate classification.

NM_002224.4(ITPR3):c.1714-3C>A

Gene: ITPR3 (inositol 1,4,5-trisphosphate receptor type 3; plus strand). Cytogenetic location: 6p21.31.
Variant type: single nucleotide variant.
Coding change: c.1714-3C>A on transcript NM_002224.4 (MANE Select); 3 bases into the intron before coding-DNA position 1714, C replaced by A.
Molecular consequence: intron variant.
Genome position (GRCh38, 1-based): chr6:33,667,789, C>A. VCF-style: chr6-33667789-C-A. GRCh37 (hg19) VCF-style: chr6-33635566-C-A.
Identifiers: ClinVar variation 1328365 (VCV001328365.3), dbSNP rs774115645, ClinGen allele CA3760360.